The following is an entry in ClinVar:

NM_000685.5(AGTR1):c.253G>T (p.Ala85Ser)

Gene: AGTR1 (angiotensin II receptor type 1; plus strand). Cytogenetic location: 3q24.
Variant type: single nucleotide variant.
Coding change: c.253G>T on transcript NM_000685.5 (MANE Select); coding-DNA position 253, G replaced by T.
Protein change: p.Ala85Ser; replaces alanine 85 with serine.
Molecular consequence: missense variant.
Genome position (GRCh38, 1-based): chr3:148,741,288, G>T. VCF-style: chr3-148741288-G-T. GRCh37 (hg19) VCF-style: chr3-148459075-G-T.
Other names: c.253G>T, p.Ala85Ser (NM_001382736.1, NM_001382737.1, NM_004835.5 and 3 more transcripts); short protein forms A85S.
Identifiers: ClinVar variation 1496871 (VCV001496871.6), dbSNP rs774646145, ClinGen allele CA354886175.
Genomic context (GRCh38, chr3:148,741,288, plus strand): 5'-GTTTTTCTTTTGAATTTAGCACTGGCTGACTTATGCTTTTTACTGACTTTGCCACTATGG[G>T]CTGTCTACACAGCTATGGAATACCGCTGGCCCTTTGGCAATTACCTATGTAAGATTGCTT-3'
Protein context (NP_000676.1, residues 75-95): LCFLLTLPLW[Ala85Ser]VYTAMEYRWP

ClinVar aggregate classification (germline): Uncertain significance (1 of 4 stars; one submission).

gnomAD v4.1: 1 of 1,612,874 alleles (0.000062%); highest among the groups gnomAD compares: Admixed American, 0.0017%; no homozygotes.

Submission:

Labcorp Genetics (formerly Invitae), Labcorp
Classification: Uncertain significance. Last evaluated: 2025-02-10. Review status: criteria provided, single submitter. Criteria: Invitae Variant Classification Sherloc (09022015). Collection method: clinical testing. Allele origin: germline.
Comment: This sequence change replaces alanine, which is neutral and non-polar, with serine, which is neutral and polar, at codon 120 of the AGTR1 protein (p.Ala120Ser). This variant is present in population databases (no rsID available, gnomAD 0.003%). This variant has not been reported in the literature in individuals affected with AGTR1-related conditions. ClinVar contains an entry for this variant (Variation ID: 1496871). Experimental studies and prediction algorithms are not available or were not evaluated, and the functional significance of this variant is currently unknown. Algorithms developed to predict the effect of sequence changes on RNA splicing suggest that this variant may create or strengthen a splice site. In summary, the available evidence is currently insufficient to determine the role of this variant in disease. Therefore, it has been classified as a Variant of Uncertain Significance.